The following is an entry in ClinVar:

NM_001388419.1(KALRN):c.822T>C (p.Ala274=)

Gene: KALRN (kalirin RhoGEF kinase; plus strand). Cytogenetic location: 3q21.2.
Variant type: single nucleotide variant.
Coding change: c.822T>C on transcript NM_001388419.1 (MANE Select); coding-DNA position 822, T replaced by C.
Protein change: p.Ala274=; no amino-acid change (alanine 274 retained).
Molecular consequence: synonymous variant.
Genome position (GRCh38, 1-based): chr3:124,269,108, T>C. VCF-style: chr3-124269108-T-C. GRCh37 (hg19) VCF-style: chr3-123987955-T-C.
Other names: c.816T>C, p.Ala272= (NM_001024660.5, NM_001322988.2, NM_001322989.2 and 4 more transcripts); c.822T>C, p.Ala274= (NM_001388417.1, NM_001388418.1).
Identifiers: ClinVar variation 3049612 (VCV003049612.2), dbSNP rs145330536, ClinGen allele CA2579029.

ClinVar aggregate classification (germline): Likely benign (0 of 4 stars; one submission).

Conditions:
KALRN-related disorder. Also called: KALRN-related condition.

Allele frequency attached by ClinVar (database versions not stated): gnomAD exomes 0.00003; ExAC 0.00020; gnomAD 0.00048; ESP Exome Variant Server 0.00054; TOPMed 0.00057; 1000 Genomes Project 30x 0.00078; 1000 Genomes Project 0.00080.
gnomAD v4.1: 129 of 1,613,222 alleles (0.008%); highest among the groups gnomAD compares: African/African-American, 0.14%; no homozygotes.

Submission:

PreventionGenetics, part of Exact Sciences
Classification: Likely benign for KALRN-related condition. Last evaluated: 2019-07-16. Review status: no assertion criteria provided. Collection method: clinical testing. Allele origin: germline.
Comment: This variant is classified as likely benign based on ACMG/AMP sequence variant interpretation guidelines (Richards et al. 2015 PMID: 25741868, with internal and published modifications).